The following is an entry in ClinVar:

NM_001754.5(RUNX1):c.900G>A (p.Thr300=)

Gene: RUNX1 (RUNX family transcription factor 1; minus strand). Cytogenetic location: 21q22.12.
Variant type: single nucleotide variant.
Coding change: c.900G>A on transcript NM_001754.5 (MANE Select); coding-DNA position 900, G replaced by A.
Protein change: p.Thr300=; no amino-acid change (threonine 300 retained).
Molecular consequence: synonymous variant.
Genome position (GRCh38, 1-based): chr21:34,799,368, C>T on the plus strand (G>A on the coding strand, the complement: RUNX1 is on the minus strand). VCF-style: chr21-34799368-C-T. GRCh37 (hg19) VCF-style: chr21-36171665-C-T.
Other names: NM_001754.5(RUNX1):c.900G>A; p.Thr300=; c.819G>A, p.Thr273= (NM_001001890.3).
Identifiers: ClinVar variation 561257 (VCV000561257.12), dbSNP rs533383085, ClinGen allele CA10014272.

ClinVar aggregate classification (germline): Likely benign. Review status: reviewed by expert panel (3 of 4 stars). 4 submissions from 4 submitters: Likely benign (1). 3 of the submissions do not count toward it. Last evaluated 2022-04-08.

Conditions:
Hereditary thrombocytopenia and hematologic cancer predisposition syndrome. Identifiers: Orphanet 71290, MedGen CN281654, MONDO:0011071.
Hereditary thrombocytopenia and hematological cancer predisposition syndrome associated with RUNX1. Also called: PLATELET DISORDER, ASPIRIN-LIKE; RUNX1 Familial Platelet Disorder with Associated Myeloid Malignancies; Familial Platelet Disorder with Propensity to Acute Myelogenous Leukemia; Familial thrombocytopenia with propensity to acute myelogenous leukemia. Identifiers: Orphanet 71290, MedGen C1832388, MeSH C563324, MONDO:0100083, OMIM 601399.
Inborn genetic diseases. Identifiers: MedGen C0950123, MeSH D030342.

Allele frequency attached by ClinVar (database versions not stated): gnomAD 0.00001; gnomAD exomes 0.00001; ExAC 0.00002.
gnomAD v4.1: 13 of 1,614,010 alleles (0.00081%); highest among the groups gnomAD compares: African/African-American, 0.0027%; no homozygotes.

Submissions (4):

ClinGen Myeloid Malignancy Variant Curation Expert Panel
Classification: Likely benign for Hereditary thrombocytopenia and hematologic cancer predisposition syndrome. Last evaluated: 2022-04-08. Review status: reviewed by expert panel. Criteria: ClinGen MyeloMalig ACMG Specifications v2. Collection method: curation. Allele origin: germline. Inheritance: Autosomal dominant inheritance.
Comment: NM_001754.5(RUNX1):c.900G>A (p.Thr300=) is a synonymous variant. Evolutionary conservation prediction algorithms predict the site as not being conserved (phyloP score -2.86554 ≤2.0) meeting BP7. This variant is a synonymous variant therefore no REVEL score is applicable and SpliceAI is ≤0.20 (0.00) (BP4). In summary, this variant meets the criteria to be classified as likely benign. ACMG/AMP criteria applied, as specified by the Myeloid Malignancy Variant Curation Expert Panel for RUNX1: BP4 and BP7.

Ambry Genetics
Classification: Likely benign for Inborn genetic diseases. Last evaluated: 2025-06-01. Review status: criteria provided, single submitter. Criteria: Ambry Variant Classification Scheme 2023. Collection method: clinical testing. Allele origin: germline. Not counted in ClinVar's aggregate classification.

Labcorp Genetics (formerly Invitae), Labcorp
Classification: Likely benign for Hereditary thrombocytopenia and hematological cancer predisposition syndrome associated with RUNX1. Last evaluated: 2023-11-20. Review status: criteria provided, single submitter. Criteria: Invitae Variant Classification Sherloc (09022015). Collection method: clinical testing. Allele origin: germline. Not counted in ClinVar's aggregate classification.

PreventionGenetics, part of Exact Sciences
Classification: Likely benign. Last evaluated: 2018-07-12. Review status: criteria provided, single submitter. Criteria: ACMG Guidelines, 2015. Collection method: clinical testing. Allele origin: germline. Not counted in ClinVar's aggregate classification.